The following is an entry in ClinVar:

ClinVar aggregate classification (germline): Likely pathogenic (1 of 4 stars; one submission).

Conditions:
Cataract 40 (CTRCT40). Also called: Cataract 40, X-linked; CATARACT, CONGENITAL TOTAL, WITH POSTERIOR SUTURAL OPACITIES IN HETEROZYGOTES; CATARACT 40 WITH OR WITHOUT MICROCORNEA. Identifiers: Orphanet 91492, MedGen C4049004, MONDO:0010544, OMIM 302200.
Nance-Horan syndrome (NHS). Identifiers: Orphanet 627, MedGen C0796085, MONDO:0010545, OMIM 302350.

Submission:

Juno Genomics, Hangzhou Juno Genomics, Inc
Classification: Likely pathogenic for Cataract 40; Nance-Horan syndrome. Review status: criteria provided, single submitter. Criteria: ACMG Guidelines, 2015. Collection method: clinical testing. Allele origin: germline. Affected: yes.
Comment: Absent from controls (or at extremely low frequency if recessive) in Genome Aggregation Database, Exome Sequencing Project, 1000 Genomes Project, or Exome Aggregation Consortium.;Null variant in a gene where loss of function (LOF) is a known mechanism of disease.

NM_001291867.2(NHS):c.1402del (p.Arg468fs)

Gene: NHS (NHS actin remodeling regulator; plus strand). Cytogenetic location: Xp22.13.
Variant type: Deletion.
Coding change: c.1402del on transcript NM_001291867.2 (MANE Select); coding-DNA position 1402, one base deleted (A; older notation c.1402delA).
Protein change: p.Arg468fs; shifts the reading frame from arginine 468.
Molecular consequence: frameshift variant.
Genome position (GRCh38, 1-based): chrX:17,725,508, A deleted; the last of 3 consecutive A bases (chrX:17,725,506-17,725,508); deleting any one gives the same sequence. VCF-style (leftmost placement, unchanged base first): chrX-17725505-CA-C. GRCh37 (hg19) VCF-style: chrX-17743625-CA-C.
Other names: c.1063del, p.Arg355fs (NM_001440780.1); c.1339del, p.Arg447fs (NM_198270.4); c.871del, p.Arg291fs (NM_001136024.4); c.808del, p.Arg270fs (NM_001291868.2); short protein forms R270fs, R291fs, R355fs, R447fs, R468fs.
Identifiers: ClinVar variation 4531281 (VCV004531281.1).